The following is an entry in ClinVar:

NM_000384.3(APOB):c.2691T>G (p.Ser897Arg)

Gene: APOB (apolipoprotein B; minus strand). Cytogenetic location: 2p24.1.
Variant type: single nucleotide variant.
Coding change: c.2691T>G on transcript NM_000384.3 (MANE Select); coding-DNA position 2691, T replaced by G.
Protein change: p.Ser897Arg; replaces serine 897 with arginine.
Molecular consequence: missense variant.
Genome position (GRCh38, 1-based): chr2:21,022,956, A>C on the plus strand (T>G on the coding strand, the complement: APOB is on the minus strand). VCF-style: chr2-21022956-A-C. GRCh37 (hg19) VCF-style: chr2-21245828-A-C.
Other names: short protein forms S897R.
Identifiers: ClinVar variation 619779 (VCV000619779.29), dbSNP rs144806800, ClinGen allele CA43520103.

ClinVar aggregate classification (germline): Uncertain significance. Review status: criteria provided, multiple submitters, no conflicts (2 of 4 stars). 5 submissions from 5 submitters: Uncertain significance (5). Last evaluated 2026-05-27.

Conditions:
Cardiovascular phenotype. Identifiers: MedGen CN230736.
Hypercholesterolemia, autosomal dominant, type B (FHCL2). Also called: Familial Hypercholesterolemia Type B; APOB-Related Familial Hypercholesterolemia, Autosomal Dominant; Familial hypercholesterolemia 2; APOLIPOPROTEIN B-100, FAMILIAL DEFECTIVE; APOLIPOPROTEIN B-100, FAMILIAL LIGAND-DEFECTIVE; HYPERCHOLESTEROLEMIA, FAMILIAL, DUE TO LIGAND-DEFECTIVE APOLIPOPROTEIN B. Identifiers: MedGen C1704417, MONDO:0007751, OMIM 144010.
Familial hypobetalipoproteinemia 1. Also called: APOB-Related Familial Hypobetalipoproteinemia; Hypobetalipoproteinemia, normotriglyceridemic; Acanthocytosis with hypobetalipoproteinemia. Identifiers: MedGen C4551990, MONDO:0014252, OMIM 615558.

Allele frequency attached by ClinVar (database versions not stated): gnomAD exomes below 0.00001 and 0.00001; TOPMed 0.00001.
gnomAD v4.1: 2 of 1,613,946 alleles (0.00012%); highest among the groups gnomAD compares: Non-Finnish European, 0.00017%; no homozygotes.

Submissions (5):

Ambry Genetics
Classification: Uncertain significance for Cardiovascular phenotype. Last evaluated: 2026-05-27. Review status: criteria provided, single submitter. Criteria: Ambry Variant Classification Scheme 2023. Collection method: clinical testing. Allele origin: germline.
Comment: The p.S897R variant (also known as c.2691T>G), located in coding exon 18 of the APOB gene, results from a T to G substitution at nucleotide position 2691. The serine at codon 897 is replaced by arginine, an amino acid with dissimilar properties. This variant was reported in individual(s) with features consistent with APOB-related familial hypercholesterolemia (external communication; Ambry internal data). This amino acid position is well conserved in available vertebrate species. In addition, this alteration is predicted to be tolerated by in silico analysis. Based on the available evidence, the clinical significance of this variant remains unclear.

Molecular Diagnostic Laboratory for Inherited Cardiovascular Disease, Montreal Heart Institute
Classification: Uncertain significance for Cardiovascular phenotype. Last evaluated: 2026-03-27. Review status: criteria provided, single submitter. Criteria: ACMG Guidelines, 2015. Collection method: clinical testing. Allele origin: germline. Affected: yes.
Comment: PM2

Labcorp Genetics (formerly Invitae), Labcorp
Classification: Uncertain significance for Familial hypobetalipoproteinemia 1; Hypercholesterolemia, autosomal dominant, type B. Last evaluated: 2025-12-28. Review status: criteria provided, single submitter. Criteria: Invitae Variant Classification Sherloc (09022015). Collection method: clinical testing. Allele origin: germline.
Comment: This sequence change replaces serine, which is neutral and polar, with arginine, which is basic and polar, at codon 897 of the APOB protein (p.Ser897Arg). This variant is present in population databases (no rsID available, gnomAD 0.002%). This variant has not been reported in the literature in individuals affected with APOB-related conditions. ClinVar contains an entry for this variant (Variation ID: 619779). Invitae Evidence Modeling of protein sequence and biophysical properties (such as structural, functional, and spatial information, amino acid conservation, physicochemical variation, residue mobility, and thermodynamic stability) indicates that this missense variant is not expected to disrupt APOB protein function with a negative predictive value of 95%. In summary, the available evidence is currently insufficient to determine the role of this variant in disease. Therefore, it has been classified as a Variant of Uncertain Significance.

Quest Diagnostics Nichols Institute San Juan Capistrano
Classification: Uncertain significance. Last evaluated: 2025-10-01. Review status: criteria provided, single submitter. Criteria: Quest Diagnostics criteria. Collection method: clinical testing. Allele origin: unknown.
Comment: The APOB c.2691T>G (p.Ser897Arg) variant has not been reported in individuals with APOB-related conditions in the published literature. The frequency of this variant in the general population (Genome Aggregation Database) is uninformative in the assessment of its pathogenicity. Analysis of this variant using bioinformatics tools for the prediction of the effect of amino acid changes on protein structure and function yielded conflicting predictions that this variant is benign or damaging. Based on the available information, we are unable to determine the clinical significance of this variant.

GeneDx
Classification: Uncertain significance. Last evaluated: 2024-04-10. Review status: criteria provided, single submitter. Criteria: GeneDx Variant Classification Process June 2021. Collection method: clinical testing. Allele origin: germline. Affected: yes.
Comment: Has not been previously published as pathogenic or benign to our knowledge; Not observed at significant frequency in large population cohorts (gnomAD); In silico analysis supports that this missense variant has a deleterious effect on protein structure/function